The following is an entry in ClinVar:

ClinVar aggregate classification (germline): Uncertain significance (1 of 4 stars; one submission).

Submission:

GeneDx
Classification: Uncertain significance. Last evaluated: 2024-09-30. Review status: criteria provided, single submitter. Criteria: GeneDx Variant Classification Process June 2021. Collection method: clinical testing. Allele origin: germline. Affected: yes.
Comment: Not observed at significant frequency in large population cohorts (gnomAD); In silico analysis indicates that this missense variant does not alter protein structure/function; Has not been previously published as pathogenic or benign to our knowledge

NM_000412.5(HRG):c.1331G>C (p.Gly444Ala)

Gene: HRG (histidine rich glycoprotein; plus strand). Cytogenetic location: 3q27.3.
Variant type: single nucleotide variant.
Coding change: c.1331G>C on transcript NM_000412.5 (MANE Select); coding-DNA position 1331, G replaced by C.
Protein change: p.Gly444Ala; replaces glycine 444 with alanine.
Molecular consequence: missense variant.
Genome position (GRCh38, 1-based): chr3:186,677,636, G>C. VCF-style: chr3-186677636-G-C. GRCh37 (hg19) VCF-style: chr3-186395425-G-C.
Other names: short protein forms G444A.
Identifiers: ClinVar variation 3774862 (VCV003774862.1).